The following is an entry in ClinVar:

NM_006206.6(PDGFRA):c.742A>G (p.Thr248Ala)

Gene: PDGFRA (platelet derived growth factor receptor alpha; plus strand). Cytogenetic location: 4q12.
Variant type: single nucleotide variant.
Coding change: c.742A>G on transcript NM_006206.6 (MANE Select); coding-DNA position 742, A replaced by G.
Protein change: p.Thr248Ala; replaces threonine 248 with alanine.
Molecular consequence: missense variant.
Genome position (GRCh38, 1-based): chr4:54,265,032, A>G. VCF-style: chr4-54265032-A-G. GRCh37 (hg19) VCF-style: chr4-55131199-A-G.
Other names: c.742A>G, p.Thr248Ala (NM_001347827.2, NM_001347829.2); c.817A>G, p.Thr273Ala (NM_001347828.2); c.781A>G, p.Thr261Ala (NM_001347830.2); short protein forms T261A, T248A, T273A.
Identifiers: ClinVar variation 4664904 (VCV004664904.1).
Genomic context (GRCh38, chr4:54,265,032, plus strand): 5'-GGGGAAACGATTGTGGTCACCTGTGCTGTTTTTAACAATGAGGTGGTTGACCTTCAATGG[A>G]CTTACCCTGGAGAAGTGGTAGGTACCCTCAAAACGTGCAATGGCTTGGAGCAGAGCAACA-3'
Protein context (NP_006197.1, residues 238-258): FNNEVVDLQW[Thr248Ala]YPGEVKGKGI

ClinVar aggregate classification (germline): Uncertain significance (1 of 4 stars; one submission).

Conditions:
Hereditary cancer-predisposing syndrome. Also called: Neoplastic Syndromes, Hereditary; Tumor predisposition; Hereditary Cancer Syndrome; Hereditary neoplastic syndrome. Identifiers: Orphanet 140162, MedGen C0027672, MeSH D009386, MONDO:0015356.

gnomAD v4.1: 1 of 1,613,722 alleles (0.000062%); highest among the groups gnomAD compares: Non-Finnish European, 0.000085%; no homozygotes.

Submission:

Ambry Genetics
Classification: Uncertain significance for Hereditary cancer-predisposing syndrome. Last evaluated: 2025-11-17. Review status: criteria provided, single submitter. Criteria: Ambry Variant Classification Scheme 2023. Collection method: clinical testing. Allele origin: germline.
Comment: The p.T248A variant (also known as c.742A>G), located in coding exon 4 of the PDGFRA gene, results from an A to G substitution at nucleotide position 742. The threonine at codon 248 is replaced by alanine, an amino acid with similar properties. This amino acid position is not well conserved in available vertebrate species. In addition, this alteration is predicted to be tolerated by in silico analysis. Based on the available evidence, the clinical significance of this variant remains unclear.